The following is an entry in ClinVar:

NM_032119.4(ADGRV1):c.208-4A>G

Gene: ADGRV1 (adhesion G protein-coupled receptor V1; plus strand). Cytogenetic location: 5q14.3.
Variant type: single nucleotide variant.
Coding change: c.208-4A>G on transcript NM_032119.4 (MANE Select); 4 bases into the intron before coding-DNA position 208, A replaced by G.
Molecular consequence: intron variant.
Genome position (GRCh38, 1-based): chr5:90,617,800, A>G. VCF-style: chr5-90617800-A-G. GRCh37 (hg19) VCF-style: chr5-89913617-A-G.
Identifiers: ClinVar variation 959869 (VCV000959869.15), dbSNP rs374070113, ClinGen allele CA3338415.

ClinVar aggregate classification (germline): Likely benign. Review status: criteria provided, multiple submitters, no conflicts (2 of 4 stars). 5 submissions from 5 submitters: Likely benign (5). Last evaluated 2026-01-27.

Conditions:
ADGRV1-related disorder. Also called: ADGRV1-related disorders; ADGRV1-related condition.
Usher syndrome type 2C. Also called: Usher syndrome, type 2B; USHER SYNDROME, TYPE IIC. Identifiers: Orphanet 231178, Orphanet 886, MedGen C2931213, MONDO:0011558, OMIM 605472.
Febrile seizures, familial, 4 (FEB4). Also called: CONVULSIONS, FAMILIAL FEBRILE, 4. Identifiers: MedGen C1858493, MONDO:0011443, OMIM 604352.

Allele frequency attached by ClinVar (database versions not stated): gnomAD exomes 0.00003 and 0.00005; ExAC 0.00018; ESP Exome Variant Server 0.00025; gnomAD 0.00030 and 0.00034; TOPMed 0.00032.
gnomAD v4.1: 86 of 1,588,536 alleles (0.0054%); highest among the groups gnomAD compares: African/African-American, 0.1%; no homozygotes.

Submissions (5):

Labcorp Genetics (formerly Invitae), Labcorp
Classification: Likely benign. Last evaluated: 2026-01-27. Review status: criteria provided, single submitter. Criteria: Invitae Variant Classification Sherloc (09022015). Collection method: clinical testing. Allele origin: germline.

PreventionGenetics, part of Exact Sciences
Classification: Likely benign for ADGRV1-related condition. Last evaluated: 2024-11-09. Review status: criteria provided, single submitter. Criteria: ACMG Guidelines, 2015. Collection method: clinical testing. Allele origin: germline.
Comment: This variant is classified as likely benign based on ACMG/AMP sequence variant interpretation guidelines (Richards et al. 2015 PMID: 25741868, with internal and published modifications).

Blueprint Genetics
Classification: Likely benign. Last evaluated: 2024-07-10. Review status: criteria provided, single submitter. Criteria: ACMG Guidelines, 2015. Collection method: clinical testing. Allele origin: germline.

Fulgent Genetics
Classification: Likely benign for Febrile seizures, familial, 4; Usher syndrome type 2C. Last evaluated: 2021-10-17. Review status: criteria provided, single submitter. Criteria: ACMG Guidelines, 2015. Collection method: clinical testing. Allele origin: unknown.

GeneDx
Classification: Likely benign. Last evaluated: 2021-04-19. Review status: criteria provided, single submitter. Criteria: GeneDx Variant Classification Process June 2021. Collection method: clinical testing. Allele origin: germline. Affected: yes.